The following is an entry in ClinVar:

NM_001374353.1(GLI2):c.3409G>T (p.Val1137Leu)

Gene: GLI2 (GLI family zinc finger 2; plus strand). Cytogenetic location: 2q14.2.
Variant type: single nucleotide variant.
Coding change: c.3409G>T on transcript NM_001374353.1 (MANE Select); coding-DNA position 3409, G replaced by T.
Protein change: p.Val1137Leu; replaces valine 1137 with leucine.
Molecular consequence: missense variant.
Genome position (GRCh38, 1-based): chr2:120,989,374, G>T. VCF-style: chr2-120989374-G-T. GRCh37 (hg19) VCF-style: chr2-121746950-G-T.
Other names: c.3460G>T, p.Val1154Leu (NM_001371271.1, NM_005270.5); c.3034G>T, p.Val1012Leu (NM_001374354.1); short protein forms V1012L, V1137L, V1154L.
Identifiers: ClinVar variation 2951866 (VCV002951866.3), dbSNP rs200999705, ClinGen allele CA348174263.

ClinVar aggregate classification (germline): Uncertain significance (1 of 4 stars; one submission).

Conditions:
Holoprosencephaly 9 (HPE9). Also called: PITUITARY ANOMALIES WITH HOLOPROSENCEPHALY-LIKE FEATURES; HOLOPROSENCEPHALY WITH MICROPHTHALMIA AND FIRST BRANCHIAL ARCH ANOMALIES. Identifiers: Orphanet 2162, MedGen C1835819, MONDO:0012563, OMIM 610829.
Postaxial polydactyly-anterior pituitary anomalies-facial dysmorphism syndrome. Also called: Culler-Jones syndrome. Identifiers: Orphanet 420584, MedGen C4014479, MONDO:0014369, OMIM 615849.

Submission:

Labcorp Genetics (formerly Invitae), Labcorp
Classification: Uncertain significance for Postaxial polydactyly-anterior pituitary anomalies-facial dysmorphism syndrome; Holoprosencephaly 9. Last evaluated: 2023-09-15. Review status: criteria provided, single submitter. Criteria: Invitae Variant Classification Sherloc (09022015). Collection method: clinical testing. Allele origin: germline.
Comment: This sequence change replaces valine, which is neutral and non-polar, with leucine, which is neutral and non-polar, at codon 1154 of the GLI2 protein (p.Val1154Leu). This variant is not present in population databases (gnomAD no frequency). This variant has not been reported in the literature in individuals affected with GLI2-related conditions. Advanced modeling of protein sequence and biophysical properties (such as structural, functional, and spatial information, amino acid conservation, physicochemical variation, residue mobility, and thermodynamic stability) performed at Invitae indicates that this missense variant is not expected to disrupt GLI2 protein function. In summary, the available evidence is currently insufficient to determine the role of this variant in disease. Therefore, it has been classified as a Variant of Uncertain Significance.